The following is an entry in ClinVar:

ClinVar aggregate classification (germline): Likely benign (1 of 4 stars; one submission).

gnomAD v4.1: 13 of 1,609,040 alleles (0.00081%); highest among the groups gnomAD compares: South Asian, 0.014%; no homozygotes.

Submission:

CeGaT Center for Human Genetics Tuebingen
Classification: Likely benign. Last evaluated: 2026-02-01. Review status: criteria provided, single submitter. Criteria: CeGaT Center For Human Genetics Tuebingen Variant Classification Criteria Version 2. Collection method: clinical testing. Allele origin: germline. Affected: yes. Observed: 1 variant allele.
Comment: SLC33A1: BP4, BP7

NM_004733.4(SLC33A1):c.948G>T (p.Leu316=)

Gene: SLC33A1 (solute carrier family 33 member 1; minus strand). Cytogenetic location: 3q25.31.
Variant type: single nucleotide variant.
Coding change: c.948G>T on transcript NM_004733.4 (MANE Select); coding-DNA position 948, G replaced by T.
Protein change: p.Leu316=; no amino-acid change (leucine 316 retained).
Molecular consequence: synonymous variant. On other transcripts: intron variant (1).
Genome position (GRCh38, 1-based): chr3:155,842,447, C>A on the plus strand (G>T on the coding strand, the complement: SLC33A1 is on the minus strand). VCF-style: chr3-155842447-C-A. GRCh37 (hg19) VCF-style: chr3-155560236-C-A.
Other names: c.948G>T, p.Leu316= (NM_001190992.2); c.776-8406G>T (NM_001363883.1).
Identifiers: ClinVar variation 4820719 (VCV004820719.4).